The following is an entry in ClinVar:

ClinVar aggregate classification (germline): Benign. Review status: criteria provided, multiple submitters, no conflicts (2 of 4 stars). 2 submissions from 2 submitters: Benign (2). Last evaluated 2018-06-14.

Allele frequency attached by ClinVar (database versions not stated): gnomAD exomes 0.00434 and 0.00793; ExAC 0.00916; gnomAD 0.02099 and 0.02200; TOPMed 0.02312; 1000 Genomes Project 0.02656; 1000 Genomes Project 30x 0.02811.
gnomAD v4.1: 8,113 of 1,251,100 alleles (0.65%); highest among the groups gnomAD compares: African/African-American, 6.7%; 181 homozygotes.

Submissions (2):

GeneDx
Classification: Benign. Last evaluated: 2018-06-14. Review status: criteria provided, single submitter. Criteria: GeneDx Variant Classification (06012015). Collection method: clinical testing. Allele origin: germline. Affected: yes.
Comment: This variant is considered likely benign or benign based on one or more of the following criteria: it is a conservative change, it occurs at a poorly conserved position in the protein, it is predicted to be benign by multiple in silico algorithms, and/or has population frequency not consistent with disease.

Breakthrough Genomics
Classification: Benign. Review status: criteria provided, single submitter. Criteria: ACMG Guidelines, 2015. Collection method: not provided. Allele origin: germline. Inheritance: Autosomal recessive inheritance. Affected: yes.

NM_001077365.2(POMT1):c.1273-70C>T

Gene: POMT1 (protein O-mannosyltransferase 1; plus strand). Cytogenetic location: 9q34.13.
Variant type: single nucleotide variant.
Coding change: c.1273-70C>T on transcript NM_001077365.2 (MANE Select); 70 bases into the intron before coding-DNA position 1273, C replaced by T.
Molecular consequence: intron variant.
Genome position (GRCh38, 1-based): chr9:131,518,375, C>T. VCF-style: chr9-131518375-C-T. GRCh37 (hg19) VCF-style: chr9-134393762-C-T.
Other names: c.1177-70C>T (NM_001353198.2, NM_001353197.2); c.1339-70C>T (NM_001353193.2, NM_007171.4); c.1273-70C>T (NM_001136113.2, NM_001374690.1); c.1111-70C>T (NM_001353194.2, NM_001077366.2); c.922-70C>T (NM_001374691.1, NM_001353195.2, NM_001374692.1 and 2 more transcripts); c.1183-70C>T (NM_001353196.2); c.883-70C>T (NM_001374695.1); c.1261-70C>T (NM_001374689.1); and 2 more.
Identifiers: ClinVar variation 676634 (VCV000676634.2), dbSNP rs113628769, ClinGen allele CA5293642.